The following is an entry in ClinVar:

NM_017617.5(NOTCH1):c.7172A>T (p.Gln2391Leu)

Gene: NOTCH1 (notch receptor 1; minus strand). Cytogenetic location: 9q34.3.
Variant type: single nucleotide variant.
Coding change: c.7172A>T on transcript NM_017617.5 (MANE Select); coding-DNA position 7172, A replaced by T.
Protein change: p.Gln2391Leu; replaces glutamine 2391 with leucine.
Molecular consequence: missense variant.
Genome position (GRCh38, 1-based): chr9:136,496,567, T>A on the plus strand (A>T on the coding strand, the complement: NOTCH1 is on the minus strand). VCF-style: chr9-136496567-T-A. GRCh37 (hg19) VCF-style: chr9-139391019-T-A.
Other names: short protein forms Q2391L.
Identifiers: ClinVar variation 860099 (VCV000860099.9), dbSNP rs1169052272, ClinGen allele CA375627834.

ClinVar aggregate classification (germline): Uncertain significance (1 of 4 stars; one submission).

Conditions:
Adams-Oliver syndrome 5 (AOS5). Identifiers: Orphanet 974, MedGen C4014970, MONDO:0014459, OMIM 616028.

Allele frequency attached by ClinVar (database versions not stated): TOPMed below 0.00001; gnomAD 0.00001; gnomAD exomes 0.00001.
gnomAD v4.1: 9 of 1,611,808 alleles (0.00056%); highest among the groups gnomAD compares: Non-Finnish European, 0.00076%; no homozygotes.

Submission:

Labcorp Genetics (formerly Invitae), Labcorp
Classification: Uncertain significance for Adams-Oliver syndrome 5. Last evaluated: 2019-01-29. Review status: criteria provided, single submitter. Criteria: Invitae Variant Classification Sherloc (09022015). Collection method: clinical testing. Allele origin: germline.
Comment: This sequence change replaces glutamine with leucine at codon 2391 of the NOTCH1 protein (p.Gln2391Leu). The glutamine residue is highly conserved and there is a moderate physicochemical difference between glutamine and leucine. This variant is not present in population databases (ExAC no frequency). This variant has not been reported in the literature in individuals with NOTCH1-related conditions. Algorithms developed to predict the effect of missense changes on protein structure and function are either unavailable or do not agree on the potential impact of this missense change (SIFT: "Deleterious"; PolyPhen-2: "Benign"; Align-GVGD: "Class C0"). In summary, the available evidence is currently insufficient to determine the role of this variant in disease. Therefore, it has been classified as a Variant of Uncertain Significance.